The following is an entry in ClinVar:

ClinVar aggregate classification (germline): Conflicting classifications of pathogenicity. Review status: criteria provided, conflicting classifications (1 of 4 stars). 5 submissions from 5 submitters: Uncertain significance (3); Benign (1); Likely benign (1). Last evaluated 2025-10-08.

Conditions:
Timothy syndrome (TS). Also called: LONG QT SYNDROME WITH SYNDACTYLY. Identifiers: Orphanet 65283, MedGen C1832916, MeSH C536962, MONDO:0010979, OMIM 601005.
Long QT syndrome 8. Identifiers: MedGen CN260585, MONDO:0032756, OMIM 618447.
Brugada syndrome 3 (BRGDA3). Identifiers: Orphanet 130, MedGen C2678478, MONDO:0012742, OMIM 611875.
Long QT syndrome (LQTS). Identifiers: MedGen C0023976, MeSH D008133, MONDO:0002442. Disease mechanism: loss of function. Inheritance: Various modes of inheritance.
Cardiovascular phenotype. Identifiers: MedGen CN230736.

Allele frequency attached by ClinVar (database versions not stated): ExAC 0.00003; gnomAD exomes 0.00005 and 0.00006; TOPMed 0.00005; gnomAD 0.00006; ESP Exome Variant Server 0.00008.
gnomAD v4.1: 78 of 1,613,888 alleles (0.0048%); highest among the groups gnomAD compares: South Asian, 0.018%; no homozygotes.

Submissions (5):

Labcorp Genetics (formerly Invitae), Labcorp
Classification: Uncertain significance for Long QT syndrome. Last evaluated: 2025-10-08. Review status: criteria provided, single submitter. Criteria: Invitae Variant Classification Sherloc (09022015). Collection method: clinical testing. Allele origin: germline.
Comment: This sequence change replaces threonine, which is neutral and polar, with methionine, which is neutral and non-polar, at codon 320 of the CACNA1C protein (p.Thr320Met). This variant is present in population databases (rs377737331, gnomAD 0.02%), and has an allele count higher than expected for a pathogenic variant. This missense change has been observed in individual(s) with Brugada syndrome, CACNA1C-related conditions, and/or unexplained cardiac arrest (PMID: 28600387, 33488405; internal data). ClinVar contains an entry for this variant (Variation ID: 418848). Invitae Evidence Modeling of protein sequence and biophysical properties (such as structural, functional, and spatial information, amino acid conservation, physicochemical variation, residue mobility, and thermodynamic stability) has been performed for this missense variant. However, the output from this modeling did not meet the statistical confidence thresholds required to predict the impact of this variant on CACNA1C protein function. Experimental studies have shown that this missense change affects CACNA1C function (PMID: 33488405). In summary, the available evidence is currently insufficient to determine the role of this variant in disease. Therefore, it has been classified as a Variant of Uncertain Significance.

Blueprint Genetics
Classification: Likely benign. Last evaluated: 2022-09-14. Review status: criteria provided, single submitter. Criteria: ACMG Guidelines, 2015. Collection method: clinical testing. Allele origin: germline.

Fulgent Genetics
Classification: Uncertain significance for Timothy syndrome; Brugada syndrome 3; Long QT syndrome 8. Last evaluated: 2022-05-05. Review status: criteria provided, single submitter. Criteria: ACMG Guidelines, 2015. Collection method: clinical testing. Allele origin: unknown.

Ambry Genetics
Classification: Benign for Cardiovascular phenotype. Last evaluated: 2021-10-18. Review status: criteria provided, single submitter. Criteria: Ambry Variant Classification Scheme 2023. Collection method: clinical testing. Allele origin: germline.

GeneDx
Classification: Uncertain significance. Last evaluated: 2019-10-25. Review status: criteria provided, single submitter. Criteria: GeneDx Variant Classification Process June 2021. Collection method: clinical testing. Allele origin: germline. Affected: yes.
Comment: In silico analysis, which includes protein predictors and evolutionary conservation, supports a deleterious effect; Has not been previously published as pathogenic or benign to our knowledge; This variant is associated with the following publications: (PMID: 33488405)

Literature cited by the submitters: PubMed 28600387 (cited by Labcorp Genetics (formerly Invitae), Labcorp and Ambry Genetics); PubMed 33488405 (cited by Labcorp Genetics (formerly Invitae), Labcorp and Ambry Genetics).

NM_000719.7(CACNA1C):c.959C>T (p.Thr320Met)

Gene: CACNA1C (calcium voltage-gated channel subunit alpha1 C; plus strand). Cytogenetic location: 12p13.33.
Variant type: single nucleotide variant.
Coding change: c.959C>T on transcript NM_000719.7 (MANE Select); coding-DNA position 959, C replaced by T.
Protein change: p.Thr320Met; replaces threonine 320 with methionine.
Molecular consequence: missense variant.
Genome position (GRCh38, 1-based): chr12:2,493,232, C>T. VCF-style: chr12-2493232-C-T. GRCh37 (hg19) VCF-style: chr12-2602398-C-T.
Other names: c.959C>T, p.Thr320Met (NM_001129827.2, NM_001129829.2, NM_001129830.3 and 18 more transcripts); c.950C>T, p.Thr317Met (NM_001129844.2); short protein forms T320M, T317M.
Identifiers: ClinVar variation 418848 (VCV000418848.15), dbSNP rs377737331, ClinGen allele CA6388585.